The following is an entry in ClinVar:

NM_000384.3(APOB):c.13124A>G (p.Gln4375Arg)

Gene: APOB (apolipoprotein B; minus strand). Cytogenetic location: 2p24.1.
Variant type: single nucleotide variant.
Coding change: c.13124A>G on transcript NM_000384.3 (MANE Select); coding-DNA position 13124, A replaced by G.
Protein change: p.Gln4375Arg; replaces glutamine 4375 with arginine.
Molecular consequence: missense variant.
Genome position (GRCh38, 1-based): chr2:21,002,298, T>C on the plus strand (A>G on the coding strand, the complement: APOB is on the minus strand). VCF-style: chr2-21002298-T-C. GRCh37 (hg19) VCF-style: chr2-21225170-T-C.
Other names: short protein forms Q4375R.
Identifiers: ClinVar variation 4125493 (VCV004125493.1).

ClinVar aggregate classification (germline): Uncertain significance (1 of 4 stars; one submission).

Conditions:
Cardiovascular phenotype. Identifiers: MedGen CN230736.

gnomAD v4.1: 1 of 1,613,854 alleles (0.000062%); highest among the groups gnomAD compares: Non-Finnish European, 0.000085%; no homozygotes.

Submission:

Ambry Genetics
Classification: Uncertain significance for Cardiovascular phenotype. Last evaluated: 2025-09-04. Review status: criteria provided, single submitter. Criteria: Ambry Variant Classification Scheme 2023. Collection method: clinical testing. Allele origin: germline.
Comment: The p.Q4375R variant (also known as c.13124A>G), located in coding exon 29 of the APOB gene, results from an A to G substitution at nucleotide position 13124. The glutamine at codon 4375 is replaced by arginine, an amino acid with highly similar properties. This amino acid position is conserved. In addition, this alteration is predicted to be tolerated by in silico analysis. Based on the available evidence, the clinical significance of this variant remains unclear.